The following is an entry in ClinVar:

ClinVar aggregate classification (germline): Conflicting classifications of pathogenicity. Review status: criteria provided, conflicting classifications (1 of 4 stars). 7 submissions from 7 submitters: Pathogenic (2); Uncertain significance (2). 3 of the submissions do not count toward it. Last evaluated 2025-03-25.

Conditions:
DSTYK-related disorder. Also called: DSTYK-related condition.
Hereditary spastic paraplegia 23. Also called: LISON SYNDROME; SPASTIC PARAPARESIS, VITILIGO, PREMATURE GRAYING, CHARACTERISTIC FACIES; SPASTIC PARAPLEGIA WITH PIGMENTARY ABNORMALITIES. Identifiers: Orphanet 101003, MedGen C0796019, MONDO:0010046, OMIM 270750.
Congenital anomalies of kidney and urinary tract 1. Also called: Renal hypodysplasia, nonsyndromic, 1; Congenital anomalies of kidney and urinary tract 1, susceptibility to. Identifiers: MedGen C1835826, MONDO:0012561, OMIM 610805.

Allele frequency attached by ClinVar (database versions not stated): ESP Exome Variant Server 0.00015; 1000 Genomes Project 0.00020; ExAC 0.00026; gnomAD exomes 0.00028 and 0.00038; TOPMed 0.00028; gnomAD 0.00029 and 0.00030; 1000 Genomes Project 30x 0.00031.
gnomAD v4.1: 588 of 1,602,522 alleles (0.037%); highest among the groups gnomAD compares: Admixed American, 0.084%; no homozygotes.

Submissions (9):

First Genomix Gene Laboratory, Genetic Diagnostics Department
Classification: Pathogenic for Hereditary spastic paraplegia 23. Last evaluated: 2025-03-25. Review status: criteria provided, single submitter. Criteria: ACMG Guidelines, 2015. Collection method: clinical testing. Allele origin: germline. Inheritance: Autosomal recessive inheritance. Affected: no. Observed: 1 variant allele.

Labcorp Genetics (formerly Invitae), Labcorp
Classification: Uncertain significance. Last evaluated: 2025-02-13. Review status: criteria provided, single submitter. Criteria: Invitae Variant Classification Sherloc (09022015). Collection method: clinical testing. Allele origin: germline.
Comment: This sequence change affects a donor splice site in intron 2 of the DSTYK gene. RNA analysis indicates that disruption of this splice site induces altered splicing and likely results in the loss of 9 amino acid residue(s), but is expected to preserve the integrity of the reading-frame. This variant is present in population databases (rs201091809, gnomAD 0.09%), and has an allele count higher than expected for a pathogenic variant. Disruption of this splice site has been observed in individual(s) with congenital abnormalities of the kidney and urinary tract and clinical features of hereditary spastic paraplegia (PMID: 23862974, 35012964). ClinVar contains an entry for this variant (Variation ID: 60684). Studies have shown that disruption of this splice site results in the activation of a cryptic splice site in exon 2 (PMID: 23862974). In summary, the available evidence is currently insufficient to determine the role of this variant in disease. Therefore, it has been classified as a Variant of Uncertain Significance.

Blueprint Genetics
Classification: Uncertain significance. Last evaluated: 2024-08-05. Review status: criteria provided, single submitter. Criteria: ACMG Guidelines, 2015. Collection method: clinical testing. Allele origin: germline.

Neurometabolic Diseases Laboratory, Bellvitge Biomedical Research Institute (IDIBELL)
Classification: Pathogenic for Hereditary spastic paraplegia 23. Last evaluated: 2023-04-27. Review status: criteria provided, single submitter. Criteria: ACMG Guidelines, 2015. Collection method: research. Allele origin: germline. Affected: yes.

Gharavi Laboratory, Columbia University
Classification: Likely pathogenic for Congenital anomalies of kidney and urinary tract 1. Last evaluated: 2024-11-05. Review status: no assertion criteria provided. Criteria: ACMG Guidelines, 2015. Collection method: case-control. Allele origin: germline. Affected: yes. Not counted in ClinVar's aggregate classification.

PreventionGenetics, part of Exact Sciences
Classification: Uncertain significance for DSTYK-related condition. Last evaluated: 2024-01-23. Review status: no assertion criteria provided. Collection method: clinical testing. Allele origin: germline. Not counted in ClinVar's aggregate classification.
Comment: The DSTYK c.654+1G>A variant is predicted to disrupt the GT donor site and interfere with normal splicing. This variant was reported in at least seven individuals from a single family with renal hypodysplasia, ureteropelvic junction obstruction and vesicoureteral reflux, as well as two unaffected family members and several family members with unknown phenotype (Sanna-Cherchi et al 2013. PubMed ID: 23862974). This variant has also been reported in the heterozygous state in a patient with branchiootorenal syndrome features but normal renal ultrasound, and incomplete penetrance was suggested (Heidet et al 2017. PubMed ID: 28566479). This variant is reported in 0.081% of alleles in individuals of Latino descent in gnomAD. Although we suspect that this variant may be pathogenic, at this time, the clinical significance of this variant is uncertain due to the absence of conclusive functional and genetic evidence.

OMIM
Classification: Uncertain significance for RECLASSIFIED - VARIANT OF UNKNOWN SIGNIFICANCE. Last evaluated: 2013-08-15. Review status: no assertion criteria provided. Collection method: literature only. Allele origin: germline. Not counted in ClinVar's aggregate classification.

Dr. Peter K. Rogan Lab, Western University
No classification provided (evidence only). Condition: Adrenocortical carcinoma, hereditary. Review status: no classification provided. Collection method: in vitro. Allele origin: not applicable. Functional consequence: retained intron. Not counted in ClinVar's aggregate classification.

Dr. Peter K. Rogan Lab, Western University
No classification provided (evidence only). Condition: Chronic lymphocytic leukemia/small lymphocytic lymphoma. Review status: no classification provided. Collection method: in vitro. Allele origin: not applicable. Functional consequence: skipped exon. Not counted in ClinVar's aggregate classification.

Literature cited by the submitters: PubMed 23862974 (cited by Labcorp Genetics (formerly Invitae), Labcorp and OMIM); PubMed 35012964 (cited by Labcorp Genetics (formerly Invitae), Labcorp); PubMed 28566479 (cited by OMIM); PubMed 17273976 (cited by OMIM).

NM_015375.3(DSTYK):c.654+1G>A

Gene: DSTYK (dual serine/threonine and tyrosine protein kinase; minus strand). Cytogenetic location: 1q32.1.
Variant type: single nucleotide variant.
Coding change: c.654+1G>A on transcript NM_015375.3 (MANE Select); the canonical splice donor site of the intron after coding-DNA position 654, G replaced by A.
Molecular consequence: splice donor variant.
Genome position (GRCh38, 1-based): chr1:205,187,417, C>T on the plus strand (G>A on the coding strand, the complement: DSTYK is on the minus strand). VCF-style: chr1-205187417-C-T. GRCh37 (hg19) VCF-style: chr1-205156545-C-T.
Other names: IVS2DS, G-A, +1; c.654+1G>A (NM_199462.3).
Identifiers: ClinVar variation 60684 (VCV000060684.37), dbSNP rs201091809, ClinGen allele CA1353006.